The following is an entry in ClinVar:

NM_000501.4(ELN):c.746-2A>T

Gene: ELN (elastin; plus strand). Cytogenetic location: 7q11.23.
Variant type: single nucleotide variant.
Coding change: c.746-2A>T on transcript NM_000501.4 (MANE Select); the canonical splice acceptor site of the intron before coding-DNA position 746, A replaced by T.
Molecular consequence: splice acceptor variant.
Genome position (GRCh38, 1-based): chr7:74,048,501, A>T. VCF-style: chr7-74048501-A-T. GRCh37 (hg19) VCF-style: chr7-73462831-A-T.
Other names: c.761-2A>T (NM_001081754.3, NM_001081753.3); c.746-2A>T (NM_001278939.2, NM_001278915.2, NM_001278912.2 and 1 more transcripts); c.704-2A>T (NM_001278916.2); c.638-2A>T (NM_001278913.2); c.731-2A>T (NM_001278914.2); c.716-2A>T (NM_001278917.2, NM_001081752.3); c.614-2A>T (NM_001278918.2).
Identifiers: ClinVar variation 2915879 (VCV002915879.3), dbSNP rs2485516621, ClinGen allele CA367870581.
Genomic context (GRCh38, chr7:74,048,501, plus strand): 5'-GTGGGCTCTGGAGATACAGGAGCACTGTTTCAAGGTCTCTCCCCTCTGCTTCCTTCCCCC[A>T]GGGGTTGGCCCCCAGGCAGCAGCAGCAGCGGCAGCTAAAGCAGCAGCAAAGTTCGGTGAG-3'

ClinVar aggregate classification (germline): Likely pathogenic (1 of 4 stars; one submission).

Conditions:
Supravalvar aortic stenosis (SVAS). Also called: Supravalvar aortic stenosis, Eisenberg type. Identifiers: Orphanet 3193, MedGen C0003499, MONDO:0008504, OMIM 185500, HP:0004381.

Submission:

Labcorp Genetics (formerly Invitae), Labcorp
Classification: Likely pathogenic for Supravalvar aortic stenosis. Last evaluated: 2023-06-22. Review status: criteria provided, single submitter. Criteria: Invitae Variant Classification Sherloc (09022015). Collection method: clinical testing. Allele origin: germline.
Comment: This sequence change affects an acceptor splice site in intron 14 of the ELN gene. It is expected to disrupt RNA splicing. Variants that disrupt the donor or acceptor splice site typically lead to a loss of protein function (PMID: 16199547), and loss-of-function variants in ELN are known to be pathogenic (PMID: 11175284). This variant is not present in population databases (gnomAD no frequency). Disruption of this splice site has been observed in individual(s) with supravalvular aortic stenosis (Invitae). Algorithms developed to predict the effect of sequence changes on RNA splicing suggest that this variant may disrupt the consensus splice site. In summary, the currently available evidence indicates that the variant is pathogenic, but additional data are needed to prove that conclusively. Therefore, this variant has been classified as Likely Pathogenic.

Literature cited by the submitters: PubMed 16199547; PubMed 11175284.